The following is an entry in ClinVar:

ClinVar aggregate classification (germline): Uncertain significance. Review status: criteria provided, multiple submitters, no conflicts (2 of 4 stars). 6 submissions from 6 submitters: Uncertain significance (6). Last evaluated 2025-06-22.

Conditions:
Autosomal dominant familial hematuria-retinal arteriolar tortuosity-contractures syndrome. Also called: Angiopathy, hereditary, with nephropathy, aneurysms, and muscle cramps; Hereditary Angiopathy with Nephropathy, Aneurysms, and Muscle Cramps (HANAC) Syndrome. Identifiers: Orphanet 73229, MedGen C2673195, MONDO:0012726, OMIM 611773.
Hemorrhage, intracerebral, susceptibility to (ICH). Also called: Stroke, hemorrhagic, susceptibility to. Identifiers: MedGen C3281105, MONDO:0100533, OMIM 614519.
Retinal arterial tortuosity. Also called: Retinal arteries, tortuosity of; RETINAL HEMORRHAGE WITH VASCULAR TORTUOSITY. Identifiers: Orphanet 75326, MedGen C0423401, MONDO:0008373, OMIM 180000, HP:0000631.
Brain small vessel disease 1 with or without ocular anomalies (BSVD1). Also called: BRAIN SMALL VESSEL DISEASE WITH HEMORRHAGE; GOULD SYNDROME 1; PORENCEPHALY, TYPE 1, AUTOSOMAL DOMINANT; Brain small vessel disease with or without ocular anomalies. Identifiers: Orphanet 2940, Orphanet 36383, Orphanet 99810, MedGen C4755307, MONDO:0008289, OMIM 175780.
Microangiopathy and leukoencephalopathy, pontine, autosomal dominant. Also called: Pontine autosomal dominant microangiopathy with leukoencephalopathy; DEMENTIA, HEREDITARY MULTI-INFARCT, SWEDISH TYPE. Identifiers: Orphanet 477749, MedGen C5231411, MONDO:0032814, OMIM 618564.
Inborn genetic diseases. Identifiers: MedGen C0950123, MeSH D030342.

Allele frequency attached by ClinVar (database versions not stated): ExAC 0.00001; gnomAD exomes 0.00002 and 0.00004; TOPMed 0.00004.
gnomAD v4.1: 28 of 1,614,030 alleles (0.0017%); highest among the groups gnomAD compares: Admixed American, 0.012%; no homozygotes.

Submissions (6):

Labcorp Genetics (formerly Invitae), Labcorp
Classification: Uncertain significance. Last evaluated: 2025-06-22. Review status: criteria provided, single submitter. Criteria: Invitae Variant Classification Sherloc (09022015). Collection method: clinical testing. Allele origin: germline.
Comment: This sequence change replaces leucine, which is neutral and non-polar, with phenylalanine, which is neutral and non-polar, at codon 468 of the COL4A1 protein (p.Leu468Phe). This variant is present in population databases (rs757163211, gnomAD 0.02%). This variant has not been reported in the literature in individuals affected with COL4A1-related conditions. ClinVar contains an entry for this variant (Variation ID: 422781). Invitae Evidence Modeling of protein sequence and biophysical properties (such as structural, functional, and spatial information, amino acid conservation, physicochemical variation, residue mobility, and thermodynamic stability) indicates that this missense variant is not expected to disrupt COL4A1 protein function with a negative predictive value of 95%. In summary, the available evidence is currently insufficient to determine the role of this variant in disease. Therefore, it has been classified as a Variant of Uncertain Significance.

Athena Diagnostics
Classification: Uncertain significance. Last evaluated: 2024-09-20. Review status: criteria provided, single submitter. Criteria: Athena Diagnostics Criteria. Collection method: clinical testing. Allele origin: unknown.

Revvity Omics, Revvity
Classification: Uncertain significance. Last evaluated: 2022-09-13. Review status: criteria provided, single submitter. Criteria: ACMG Guidelines, 2015. Collection method: clinical testing. Allele origin: germline.

Fulgent Genetics
Classification: Uncertain significance for Brain small vessel disease 1 with or without ocular anomalies; Retinal arterial tortuosity; Autosomal dominant familial hematuria-retinal arteriolar tortuosity-contractures syndrome; Hemorrhage, intracerebral, susceptibility to; Microangiopathy and leukoencephalopathy, pontine, autosomal dominant. Last evaluated: 2021-12-30. Review status: criteria provided, single submitter. Criteria: ACMG Guidelines, 2015. Collection method: clinical testing. Allele origin: unknown.

Ambry Genetics
Classification: Uncertain significance for Inborn genetic diseases. Last evaluated: 2020-10-07. Review status: criteria provided, single submitter. Criteria: Ambry Variant Classification Scheme 2023. Collection method: clinical testing. Allele origin: germline.
Comment: The c.1402C>T (p.L468F) alteration is located in exon 23 (coding exon 23) of the COL4A1 gene. This alteration results from a C to T substitution at nucleotide position 1402, causing the leucine (L) at amino acid position 468 to be replaced by a phenylalanine (F). Based on data from the Genome Aggregation Database (gnomAD) database, the COL4A1 c.1402C>T alteration was observed in <0.01% (9/251150) of total alleles studied, with a frequency of 0.02% (6/34590) in the Latino subpopulation. This amino acid position is not well conserved in available vertebrate species. The p.L468F alteration is predicted to be tolerated by in silico analysis. Based on insufficient or conflicting evidence, the clinical significance of this alteration remains unclear.

GeneDx
Classification: Uncertain significance. Last evaluated: 2016-12-07. Review status: criteria provided, single submitter. Criteria: GeneDx Variant Classification (06012015). Collection method: clinical testing. Allele origin: germline. Affected: yes.
Comment: The L468F variant in the COL4A1 gene has not been reported previously as a pathogenic variant, nor as a benign variant, to our knowledge. The L468F variant was not observed in approximately 6500 individuals of European and African American ancestry in the NHLBI Exome Sequencing Project, indicating it is not a common benign variant in these populations. The L468F variant is a conservative amino acid substitution, which is not likely to impact secondary protein structure as these residues share similar properties. This substitution occurs at a position that is not conserved, and in silico analysis predicts this variant likely does not alter the protein structure/function. We interpret L468F as a variant of uncertain significance.

Literature cited by the submitters: PubMed 31857254 (cited by Athena Diagnostics).

NM_001845.6(COL4A1):c.1402C>T (p.Leu468Phe)

Gene: COL4A1 (collagen type IV alpha 1 chain; minus strand). Cytogenetic location: 13q34.
Variant type: single nucleotide variant.
Coding change: c.1402C>T on transcript NM_001845.6 (MANE Select); coding-DNA position 1402, C replaced by T.
Protein change: p.Leu468Phe; replaces leucine 468 with phenylalanine.
Molecular consequence: missense variant.
Genome position (GRCh38, 1-based): chr13:110,192,893, G>A on the plus strand (C>T on the coding strand, the complement: COL4A1 is on the minus strand). VCF-style: chr13-110192893-G-A. GRCh37 (hg19) VCF-style: chr13-110845240-G-A.
Other names: c.1402C>T, p.Leu468Phe (NM_001303110.2); short protein forms L468F.
Identifiers: ClinVar variation 422781 (VCV000422781.14), dbSNP rs757163211, ClinGen allele CA7047945.